The following is an entry in ClinVar:

ClinVar aggregate classification (germline): Uncertain significance. Review status: criteria provided, multiple submitters, no conflicts (2 of 4 stars). 3 submissions from 3 submitters: Uncertain significance (3). Last evaluated 2023-05-30.

Conditions:
Hereditary breast ovarian cancer syndrome. Also called: Breast and ovarian cancer; Hereditary breast and ovarian cancer; Hereditary breast and/or ovarian cancer syndrome; BRCA1- and BRCA2-Associated Hereditary Breast and Ovarian Cancer; Hereditary breast and ovarian cancer syndrome (HBOC); Hereditary breast and ovarian cancer syndrome. Identifiers: Orphanet 145, MedGen C0677776, MeSH D061325, MONDO:0003582. Disease mechanism: loss of function.
Familial cancer of breast. Also called: BREAST CANCER, FAMILIAL; Hereditary breast cancer; hereditary breast carcinoma. Identifiers: Orphanet 227535, MedGen C0346153, MONDO:0016419, OMIM 114480. Disease mechanism: loss of function.

Allele frequency attached by ClinVar (database versions not stated): gnomAD exomes below 0.00001.
gnomAD v4.1: 2 of 1,614,062 alleles (0.00012%); highest among the groups gnomAD compares: Non-Finnish European, 0.00017%; no homozygotes.

Submissions (3):

Baylor Genetics
Classification: Uncertain significance for Familial cancer of breast. Last evaluated: 2023-05-30. Review status: criteria provided, single submitter. Criteria: ACMG Guidelines, 2015. Collection method: clinical testing. Allele origin: unknown.

Labcorp Genetics (formerly Invitae), Labcorp
Classification: Uncertain significance for Hereditary breast ovarian cancer syndrome. Last evaluated: 2023-04-09. Review status: criteria provided, single submitter. Criteria: Invitae Variant Classification Sherloc (09022015). Collection method: clinical testing. Allele origin: germline.
Comment: This sequence change replaces glutamine, which is neutral and polar, with glutamic acid, which is acidic and polar, at codon 2714 of the BRCA2 protein (p.Gln2714Glu). This variant is not present in population databases (gnomAD no frequency). This variant has not been reported in the literature in individuals affected with BRCA2-related conditions. ClinVar contains an entry for this variant (Variation ID: 182249). Advanced modeling of protein sequence and biophysical properties (such as structural, functional, and spatial information, amino acid conservation, physicochemical variation, residue mobility, and thermodynamic stability) performed at Invitae indicates that this missense variant is not expected to disrupt BRCA2 protein function. In summary, the available evidence is currently insufficient to determine the role of this variant in disease. Therefore, it has been classified as a Variant of Uncertain Significance.

GeneDx
Classification: Uncertain significance. Last evaluated: 2014-06-12. Review status: criteria provided, single submitter. Criteria: GeneDx Variant Classification (06012015). Collection method: clinical testing. Allele origin: germline. Affected: yes.
Comment: This variant is denoted BRCA2 c.8140C>G at the cDNA level, p.Gln2714Glu (Q2714E) at the protein level, and results in the change of a Glutamine to a Glutamic Acid (CAA>GAA). This variant has not, to our knowledge, been published in the literature as pathogenic or benign. BRCA2 Gln2714Glu was not observed in approximately 6,500 individuals of European and African American ancestry in the NHLBI Exome Sequencing Project, indicating it is not a common benign variant in these populations. Since Glutamine and Glutamic Acid differ in some properties, this is considered a semi-conservative amino acid substitution. BRCA2 Gln2714Glu occurs at a position that is variable across species and is located in a DNA binding domain (Borg 2010). In addition, in silico analyses predict that this variant is unlikely to alter protein structure or function. Based on currently available information, it is unclear whether BRCA2 Gln2714Glu is pathogenic or benign. We consider it to be a variant of uncertain significance.

NM_000059.4(BRCA2):c.8140C>G (p.Gln2714Glu)

Gene: BRCA2 (BRCA2 DNA repair associated; plus strand). Cytogenetic location: 13q13.1.
Variant type: single nucleotide variant.
Coding change: c.8140C>G on transcript NM_000059.4 (MANE Select); coding-DNA position 8140, C replaced by G.
Protein change: p.Gln2714Glu; replaces glutamine 2714 with glutamic acid.
Molecular consequence: missense variant.
Genome position (GRCh38, 1-based): chr13:32,363,342, C>G. VCF-style: chr13-32363342-C-G. GRCh37 (hg19) VCF-style: chr13-32937479-C-G.
Other names: p.Q2714E:CAA>GAA; short protein forms Q2714E.
Identifiers: ClinVar variation 182249 (VCV000182249.6), dbSNP rs80359058, ClinGen allele CA025468.
Genomic context (GRCh38, chr13:32,363,342, plus strand): 5'-ATTTCATTGAGCGCAAATATATCTGAAACTTCTAGCAATAAAACTAGTAGTGCAGATACC[C>G]AAAAAGTGGCCATTATTGAACTTACAGATGGGTGGTATGCTGTTAAGGCCCAGTTAGATC-3'
Protein context (NP_000050.3, residues 2704-2724): SSNKTSSADT[Gln2714Glu]KVAIIELTDG